The following is an entry in ClinVar:

ClinVar aggregate classification (germline): Uncertain significance (1 of 4 stars; one submission).

Submission:

Labcorp Genetics (formerly Invitae), Labcorp
Classification: Uncertain significance. Last evaluated: 2025-04-07. Review status: criteria provided, single submitter. Criteria: Invitae Variant Classification Sherloc (09022015). Collection method: clinical testing. Allele origin: germline.
Comment: This variant, c.4371_4373del, results in the deletion of 1 amino acid(s) of the ERCC6L2 protein (p.Asp1458del), but otherwise preserves the integrity of the reading frame. This variant is not present in population databases (gnomAD no frequency). This variant has not been reported in the literature in individuals affected with ERCC6L2-related conditions. Experimental studies and prediction algorithms are not available or were not evaluated, and the functional significance of this variant is currently unknown. In summary, the available evidence is currently insufficient to determine the role of this variant in disease. Therefore, it has been classified as a Variant of Uncertain Significance.

NM_020207.7(ERCC6L2):c.4335TGA[1] (p.Asp1447del)

Gene: ERCC6L2 (ERCC excision repair 6 like 2; plus strand). Cytogenetic location: 9q22.32.
Variant type: Microsatellite.
Coding change: c.4335TGA[1] on transcript NM_020207.7 (MANE Select); one copy of the 3-base unit TGA starting at c.4335; the reference has two copies in a row; one copy, 3 bases deleted.
Protein change: p.Asp1447del; deletes aspartic acid 1447.
Molecular consequence: inframe deletion. On other transcripts: non-coding transcript variant (1), intron variant (2).
Genome position (GRCh38, 1-based): chr9:96,012,888-96,012,890, TGA deleted; deleting any 3 consecutive bases within chr9:96,012,885-96,012,890 gives the same sequence; the position shown is the placement nearest the transcript's 3' end. VCF-style (leftmost placement, unchanged base first): chr9-96012884-TTGA-T. GRCh37 (hg19) VCF-style: chr9-98775166-TTGA-T.
Other names: c.3674+8187_3674+8189del (NM_001375291.1, NM_001375292.1); short protein forms D1447del.
Identifiers: ClinVar variation 2010973 (VCV002010973.4), dbSNP rs2490775461, ClinGen allele CA2580616326.